The following is an entry in ClinVar:

ClinVar aggregate classification (germline): Uncertain significance (1 of 4 stars; one submission).

gnomAD v4.1: 4 of 1,569,682 alleles (0.00025%); highest among the groups gnomAD compares: Non-Finnish European, 0.00035%; no homozygotes.

Submission:

GeneDx
Classification: Uncertain significance. Last evaluated: 2022-02-19. Review status: criteria provided, single submitter. Criteria: GeneDx Variant Classification Process June 2021. Collection method: clinical testing. Allele origin: germline. Affected: yes.
Comment: Not observed at significant frequency in large population cohorts (gnomAD); In silico analysis supports that this missense variant has a deleterious effect on protein structure/function; Has not been previously published as pathogenic or benign to our knowledge

NM_003737.4(DCHS1):c.3394C>G (p.Arg1132Gly)

Gene: DCHS1 (dachsous cadherin-related 1; minus strand). Cytogenetic location: 11p15.4.
Variant type: single nucleotide variant.
Coding change: c.3394C>G on transcript NM_003737.4 (MANE Select); coding-DNA position 3394, C replaced by G.
Protein change: p.Arg1132Gly; replaces arginine 1132 with glycine.
Molecular consequence: missense variant.
Genome position (GRCh38, 1-based): chr11:6,632,118, G>C on the plus strand (C>G on the coding strand, the complement: DCHS1 is on the minus strand). VCF-style: chr11-6632118-G-C. GRCh37 (hg19) VCF-style: chr11-6653349-G-C.
Other names: short protein forms R1132G.
Identifiers: ClinVar variation 1702753 (VCV001702753.2), dbSNP rs775982308, ClinGen allele CA379413638.